The following is an entry in ClinVar:

NM_199242.3(UNC13D):c.3224G>T (p.Arg1075Leu)

Gene: UNC13D (unc-13 homolog D; minus strand). Cytogenetic location: 17q25.1.
Variant type: single nucleotide variant.
Coding change: c.3224G>T on transcript NM_199242.3 (MANE Select); coding-DNA position 3224, G replaced by T.
Protein change: p.Arg1075Leu; replaces arginine 1075 with leucine.
Molecular consequence: missense variant.
Genome position (GRCh38, 1-based): chr17:75,828,014, C>A on the plus strand (G>T on the coding strand, the complement: UNC13D is on the minus strand). VCF-style: chr17-75828014-C-A. GRCh37 (hg19) VCF-style: chr17-73824095-C-A.
Other names: short protein forms R1075L.
Identifiers: ClinVar variation 936314 (VCV000936314.28), dbSNP rs377594755, ClinGen allele CA294084019.
Genomic context (GRCh38, chr17:75,828,014, plus strand): 5'-AACCTCTACGGCTACGGTGCCGGCCGCAAGGCATGCTGGGAGGCCTGCTTGGCCCGGTGC[C>A]GCCGCAGCCTCACAAAGACCTGGGCTTCTCGGTCACCCTTCCGGCCCTCCAGCAGCTGCA-3'
Protein context (NP_954712.1, residues 1065-1085): REAQVFVRLR[Arg1075Leu]HRAKQASQHA

ClinVar aggregate classification (germline): Uncertain significance. Review status: criteria provided, multiple submitters, no conflicts (2 of 4 stars). 2 submissions from 2 submitters: Uncertain significance (2). Last evaluated 2024-01-01.

Conditions:
Familial hemophagocytic lymphohistiocytosis 3 (FHL3). Also called: UNC13D-Related Familial Hemophagocytic Lymphohistiocytosis (UNC13D-fHLH). Identifiers: Orphanet 540, MedGen C1837174, MONDO:0012146, OMIM 608898.

Allele frequency attached by ClinVar (database versions not stated): TOPMed 0.00002.
gnomAD v4.1: 27 of 1,594,670 alleles (0.0017%); highest among the groups gnomAD compares: Middle Eastern, 0.12%; no homozygotes.

Submissions (2):

CeGaT Center for Human Genetics Tuebingen
Classification: Uncertain significance. Last evaluated: 2024-01-01. Review status: criteria provided, single submitter. Criteria: CeGaT Center For Human Genetics Tuebingen Variant Classification Criteria Version 2. Collection method: clinical testing. Allele origin: germline. Affected: yes. Observed: 1 variant allele.
Comment: UNC13D: PM2, PP4

Labcorp Genetics (formerly Invitae), Labcorp
Classification: Uncertain significance for Familial hemophagocytic lymphohistiocytosis 3. Last evaluated: 2022-06-26. Review status: criteria provided, single submitter. Criteria: Invitae Variant Classification Sherloc (09022015). Collection method: clinical testing. Allele origin: germline.
Comment: This sequence change replaces arginine, which is basic and polar, with leucine, which is neutral and non-polar, at codon 1075 of the UNC13D protein (p.Arg1075Leu). The frequency data for this variant in the population databases is considered unreliable, as metrics indicate poor data quality at this position in the gnomAD database. This missense change has been observed in individual(s) with primary immunodeficiency (PMID: 32135276). ClinVar contains an entry for this variant (Variation ID: 936314). Algorithms developed to predict the effect of missense changes on protein structure and function are either unavailable or do not agree on the potential impact of this missense change (SIFT: "Not Available"; PolyPhen-2: "Possibly Damaging"; Align-GVGD: "Not Available"). In summary, the available evidence is currently insufficient to determine the role of this variant in disease. Therefore, it has been classified as a Variant of Uncertain Significance.

Literature cited by the submitters: PubMed 32135276 (cited by Labcorp Genetics (formerly Invitae), Labcorp).